The following is an entry in ClinVar:

ClinVar aggregate classification (germline): Uncertain significance. Review status: criteria provided, multiple submitters, no conflicts (2 of 4 stars). 3 submissions from 3 submitters: Uncertain significance (3). Last evaluated 2026-08-01.

Conditions:
Epidermolysis bullosa simplex 5C, with pyloric atresia (EBS5C). Also called: PLEC-Related Epidermolysis Bullosa with Pyloric Atresia; Epidermolysis bullosa simplex with pyloric atresia; PLEC1-Related Epidermolysis Bullosa with Pyloric Atresia. Identifiers: Orphanet 158684, MedGen C2677349, MONDO:0012807, OMIM 612138.
Epidermolysis bullosa simplex 5B, with muscular dystrophy (EBS5B). Also called: EPIDERMOLYSIS BULLOSA SIMPLEX AND LIMB-GIRDLE MUSCULAR DYSTROPHY; Epidermolysis bullosa simplex with muscular dystrophy. Identifiers: Orphanet 257, MedGen C2931072, MONDO:0009181, OMIM 226670.
Autosomal recessive limb-girdle muscular dystrophy type 2Q (LGMDR17). Also called: MUSCULAR DYSTROPHY, LIMB-GIRDLE, AUTOSOMAL RECESSIVE 17. Identifiers: Orphanet 254361, MedGen C3150989, MONDO:0013390, OMIM 613723.
Epidermolysis bullosa simplex with nail dystrophy (EBS5D). Identifiers: MedGen C4225309, MONDO:0014661, OMIM 616487.
Epidermolysis bullosa simplex, Ogna type (EBS5A). Also called: Pidermolysis bullosa simplex 5A, Ogna type; EPIDERMOLYSIS BULLOSA SIMPLEX 5A, OGNA TYPE. Identifiers: Orphanet 79401, MedGen C0432317, MONDO:0007555, OMIM 131950.

Allele frequency attached by ClinVar (database versions not stated): TOPMed 0.00001.

Submissions (3):

CeGaT Center for Human Genetics Tuebingen
Classification: Uncertain significance. Last evaluated: 2026-08-01. Review status: criteria provided, single submitter. Criteria: CeGaT Center For Human Genetics Tuebingen Variant Classification Criteria Version 2. Collection method: clinical testing. Allele origin: germline. Affected: yes. Observed: 1 variant allele.
Comment: PLEC: PM2, PP3

Labcorp Genetics (formerly Invitae), Labcorp
Classification: Uncertain significance for Autosomal recessive limb-girdle muscular dystrophy type 2Q; Epidermolysis bullosa simplex, Ogna type; Epidermolysis bullosa simplex with nail dystrophy; Epidermolysis bullosa simplex 5C, with pyloric atresia; Epidermolysis bullosa simplex 5B, with muscular dystrophy. Last evaluated: 2026-01-11. Review status: criteria provided, single submitter. Criteria: Invitae Variant Classification Sherloc (09022015). Collection method: clinical testing. Allele origin: germline.
Comment: This sequence change replaces glutamic acid, which is acidic and polar, with lysine, which is basic and polar, at codon 1803 of the PLEC protein (p.Glu1803Lys). This variant is not present in population databases (gnomAD no frequency). This variant has not been reported in the literature in individuals affected with PLEC-related conditions. ClinVar contains an entry for this variant (Variation ID: 499086). Experimental studies and prediction algorithms are not available or were not evaluated, and the functional significance of this variant is currently unknown. In summary, the available evidence is currently insufficient to determine the role of this variant in disease. Therefore, it has been classified as a Variant of Uncertain Significance.

Eurofins Ntd Llc (ga)
Classification: Uncertain significance. Last evaluated: 2016-12-28. Review status: criteria provided, single submitter. Criteria: EGL Classification Definitions 2015. Collection method: clinical testing. Allele origin: germline. Observed: 1 variant allele, 1 heterozygote.

NM_201384.3(PLEC):c.5326G>A (p.Glu1776Lys)

Gene: PLEC (plectin; minus strand). Cytogenetic location: 8q24.3.
Variant type: single nucleotide variant.
Coding change: c.5326G>A on transcript NM_201384.3 (MANE Select); coding-DNA position 5326, G replaced by A.
Protein change: p.Glu1776Lys; replaces glutamic acid 1776 with lysine.
Molecular consequence: missense variant.
Genome position (GRCh38, 1-based): chr8:143,924,603, C>T on the plus strand (G>A on the coding strand, the complement: PLEC is on the minus strand). VCF-style: chr8-143924603-C-T. GRCh37 (hg19) VCF-style: chr8-144998771-C-T.
Other names: c.5407G>A, p.Glu1803Lys (NM_000445.5); c.5284G>A, p.Glu1762Lys (NM_201378.4); c.5260G>A, p.Glu1754Lys (NM_201379.3); c.5737G>A, p.Glu1913Lys (NM_201380.4); c.5230G>A, p.Glu1744Lys (NM_201381.3); c.5326G>A, p.Glu1776Lys (NM_201382.4); c.5338G>A, p.Glu1780Lys (NM_201383.3); short protein forms E1744K, E1754K, E1762K, E1776K, E1780K, E1803K, E1913K.
Identifiers: ClinVar variation 499086 (VCV000499086.10), dbSNP rs1377590522, ClinGen allele CA372546090.